The following is an entry in ClinVar:

NM_001035.3(RYR2):c.7342+229A>G

Gene: RYR2 (ryanodine receptor 2; plus strand). Cytogenetic location: 1q43.
Variant type: single nucleotide variant.
Coding change: c.7342+229A>G on transcript NM_001035.3 (MANE Select); 229 bases into the intron after coding-DNA position 7342, A replaced by G.
Molecular consequence: intron variant.
Genome position (GRCh38, 1-based): chr1:237,643,676, A>G. VCF-style: chr1-237643676-A-G. GRCh37 (hg19) VCF-style: chr1-237806976-A-G.
Identifiers: ClinVar variation 669275 (VCV000669275.1), dbSNP rs4542202, ClinGen allele CA16083582.

ClinVar aggregate classification (germline): Benign (1 of 4 stars; one submission).

Allele frequency attached by ClinVar (database versions not stated): 1000 Genomes Project 30x 0.35962; 1000 Genomes Project 0.36082; TOPMed 0.37853.
gnomAD v4.1: 56,366 of 150,962 alleles (37%); highest among the groups gnomAD compares: African/African-American, 52%; 11,173 homozygotes.

Submission:

GeneDx
Classification: Benign. Last evaluated: 2018-06-15. Review status: criteria provided, single submitter. Criteria: GeneDx Variant Classification (06012015). Collection method: clinical testing. Allele origin: germline. Affected: yes.
Comment: This variant is considered likely benign or benign based on one or more of the following criteria: it is a conservative change, it occurs at a poorly conserved position in the protein, it is predicted to be benign by multiple in silico algorithms, and/or has population frequency not consistent with disease.